The following is an entry in ClinVar:

NM_153603.4(COG7):c.323dup (p.Leu108fs)

Gene: COG7 (component of oligomeric golgi complex 7; minus strand). Cytogenetic location: 16p12.2.
Variant type: Duplication.
Coding change: c.323dup on transcript NM_153603.4 (MANE Select); coding-DNA position 323, one base duplicated (T; older notation c.323dupT).
Protein change: p.Leu108fs; shifts the reading frame from leucine 108.
Molecular consequence: frameshift variant.
Genome position (GRCh38, 1-based): chr16:23,445,160, A duplicated on the plus strand (T on the coding strand, the reverse complement: COG7 is on the minus strand); the first of 2 consecutive A bases (chr16:23,445,160-23,445,161); duplicating either gives the same sequence. VCF-style (leftmost placement, unchanged base first): chr16-23445159-C-CA. GRCh37 (hg19) VCF-style: chr16-23456480-C-CA.
Other names: c.323dup (NM_153603.3); short protein forms L108fs.
Identifiers: ClinVar variation 196587 (VCV000196587.11), dbSNP rs797044712, ClinGen allele CA275193.

ClinVar aggregate classification (germline): Pathogenic. Review status: criteria provided, multiple submitters, no conflicts (2 of 4 stars). 3 submissions from 3 submitters: Pathogenic (3). Last evaluated 2025-05-21.

Conditions:
COG7 congenital disorder of glycosylation (CDG2E). Also called: CDG IIe; CONGENITAL DISORDER OF GLYCOSYLATION, TYPE IIe. Identifiers: Orphanet 79333, MedGen C2931010, MONDO:0012118, OMIM 608779.

Submissions (3):

GeneDx
Classification: Pathogenic. Last evaluated: 2025-05-21. Review status: criteria provided, single submitter. Criteria: GeneDx Variant Classification Process June 2021. Collection method: clinical testing. Allele origin: germline. Affected: yes.
Comment: Frameshift variant predicted to result in protein truncation or nonsense mediated decay in a gene for which loss of function is a known mechanism of disease; Not observed at significant frequency in large population cohorts (gnomAD); Also known as c.323_324insT; This variant is associated with the following publications: (PMID: 21811164)

Labcorp Genetics (formerly Invitae), Labcorp
Classification: Pathogenic for COG7 congenital disorder of glycosylation. Last evaluated: 2024-04-22. Review status: criteria provided, single submitter. Criteria: Invitae Variant Classification Sherloc (09022015). Collection method: clinical testing. Allele origin: germline.
Comment: This sequence change creates a premature translational stop signal (p.Leu108Phefs*5) in the COG7 gene. It is expected to result in an absent or disrupted protein product. Loss-of-function variants in COG7 are known to be pathogenic (PMID: 21811164). This variant is present in population databases (rs797044712, gnomAD 0.006%). This premature translational stop signal has been observed in individual(s) with congenital disorder of glycosylation (PMID: 21811164). This variant is also known as c.323_324insT. ClinVar contains an entry for this variant (Variation ID: 196587). For these reasons, this variant has been classified as Pathogenic.

Eurofins Ntd Llc (ga)
Classification: Pathogenic. Last evaluated: 2015-03-17. Review status: criteria provided, single submitter. Criteria: EGL Classification Definitions. Collection method: clinical testing. Allele origin: germline.

Literature cited by the submitters: PubMed 21811164 (cited by Labcorp Genetics (formerly Invitae), Labcorp).